The following is an entry in ClinVar:

NM_001349338.3(FOXP1):c.98G>A (p.Arg33Gln)

Gene: FOXP1 (forkhead box P1; minus strand). Cytogenetic location: 3p13.
Variant type: single nucleotide variant.
Coding change: c.98G>A on transcript NM_001349338.3 (MANE Select); coding-DNA position 98, G replaced by A.
Protein change: p.Arg33Gln; replaces arginine 33 with glutamine.
Molecular consequence: missense variant. On other transcripts: non-coding transcript variant (2).
Genome position (GRCh38, 1-based): chr3:71,198,284, C>T on the plus strand (G>A on the coding strand, the complement: FOXP1 is on the minus strand). VCF-style: chr3-71198284-C-T. GRCh37 (hg19) VCF-style: chr3-71247435-C-T.
Other names: c.98G>A, p.Arg33Gln (NM_001012505.2, NM_001244808.3, NM_001244810.2 and 6 more transcripts); short protein forms R33Q.
Identifiers: ClinVar variation 1406370 (VCV001406370.6), dbSNP rs587780339, ClinGen allele CA2491462.

ClinVar aggregate classification (germline): Uncertain significance (1 of 4 stars; one submission).

Allele frequency attached by ClinVar (database versions not stated): ExAC 0.00001.
gnomAD v4.1: 7 of 1,614,060 alleles (0.00043%); highest among the groups gnomAD compares: Admixed American, 0.0017%; no homozygotes.

Submission:

Labcorp Genetics (formerly Invitae), Labcorp
Classification: Uncertain significance. Last evaluated: 2024-02-25. Review status: criteria provided, single submitter. Criteria: Invitae Variant Classification Sherloc (09022015). Collection method: clinical testing. Allele origin: germline.
Comment: This sequence change replaces arginine, which is basic and polar, with glutamine, which is neutral and polar, at codon 33 of the FOXP1 protein (p.Arg33Gln). This variant is present in population databases (rs587780339, gnomAD 0.003%). This variant has not been reported in the literature in individuals affected with FOXP1-related conditions. ClinVar contains an entry for this variant (Variation ID: 1406370). Advanced modeling of protein sequence and biophysical properties (such as structural, functional, and spatial information, amino acid conservation, physicochemical variation, residue mobility, and thermodynamic stability) has been performed at Invitae for this missense variant, however the output from this modeling did not meet the statistical confidence thresholds required to predict the impact of this variant on FOXP1 protein function. In summary, the available evidence is currently insufficient to determine the role of this variant in disease. Therefore, it has been classified as a Variant of Uncertain Significance.